The following is an entry in ClinVar:

NM_014753.4(BMS1):c.2302G>A (p.Asp768Asn)

Gene: BMS1 (BMS1 ribosome biogenesis factor; plus strand). Cytogenetic location: 10q11.21.
Variant type: single nucleotide variant.
Coding change: c.2302G>A on transcript NM_014753.4 (MANE Select); coding-DNA position 2302, G replaced by A.
Protein change: p.Asp768Asn; replaces aspartic acid 768 with asparagine.
Molecular consequence: missense variant.
Genome position (GRCh38, 1-based): chr10:42,802,191, G>A. VCF-style: chr10-42802191-G-A. GRCh37 (hg19) VCF-style: chr10-43297639-G-A.
Other names: short protein forms D768N.
Identifiers: ClinVar variation 781788 (VCV000781788.6), dbSNP rs41302249, ClinGen allele CA5475969.

ClinVar aggregate classification (germline): Benign. Review status: criteria provided, multiple submitters, no conflicts (2 of 4 stars). 3 submissions from 3 submitters: Benign (3). Last evaluated 2026-04-05.

Conditions:
BMS1-related disorder. Also called: BMS1-related condition.

Allele frequency attached by ClinVar (database versions not stated): 1000 Genomes Project 30x 0.00265; 1000 Genomes Project 0.00319; TOPMed 0.00923; ExAC 0.00978; gnomAD exomes 0.01015 and 0.01384; ESP Exome Variant Server 0.01046; gnomAD 0.01084 and 0.01167.
gnomAD v4.1: 21,850 of 1,613,440 alleles (1.4%); highest among the groups gnomAD compares: Non-Finnish European, 1.6%; 185 homozygotes.

Submissions (3):

PreventionGenetics, part of Exact Sciences
Classification: Benign for BMS1-related condition. Last evaluated: 2026-04-05. Review status: criteria provided, single submitter. Criteria: ACMG Guidelines, 2015. Collection method: clinical testing. Allele origin: germline.
Comment: This variant is classified as benign based on ACMG/AMP sequence variant interpretation guidelines (Richards et al. 2015 PMID: 25741868, with internal and published modifications).

Labcorp Genetics (formerly Invitae), Labcorp
Classification: Benign. Last evaluated: 2019-12-31. Review status: criteria provided, single submitter. Criteria: Invitae Variant Classification Sherloc (09022015). Collection method: clinical testing. Allele origin: germline.

Breakthrough Genomics
Classification: Benign. Review status: criteria provided, single submitter. Criteria: ACMG Guidelines, 2015. Collection method: not provided. Allele origin: germline. Inheritance: Autosomal dominant inheritance. Affected: yes.